The following is an entry in ClinVar:

ClinVar aggregate classification (germline): Uncertain significance (1 of 4 stars; one submission).

Conditions:
Hereditary cancer-predisposing syndrome. Also called: Hereditary Cancer Syndrome; Neoplastic Syndromes, Hereditary; Tumor predisposition; Hereditary neoplastic syndrome. Identifiers: Orphanet 140162, MedGen C0027672, MeSH D009386, MONDO:0015356.

Submission:

Ambry Genetics
Classification: Uncertain significance for Hereditary cancer-predisposing syndrome. Last evaluated: 2020-03-19. Review status: criteria provided, single submitter. Criteria: Ambry Variant Classification Scheme 2023. Collection method: clinical testing. Allele origin: germline.
Comment: The p.E164G variant (also known as c.491A>G), located in coding exon 3 of the PTCH1 gene, results from an A to G substitution at nucleotide position 491. The glutamic acid at codon 164 is replaced by glycine, an amino acid with similar properties. This amino acid position is highly conserved in available vertebrate species. In addition, the in silico prediction for this alteration is inconclusive. Since supporting evidence is limited at this time, the clinical significance of this alteration remains unclear.

NM_000264.5(PTCH1):c.491A>G (p.Glu164Gly)

Gene: PTCH1 (patched 1; minus strand). Cytogenetic location: 9q22.32.
Variant type: single nucleotide variant.
Coding change: c.491A>G on transcript NM_000264.5 (MANE Select); coding-DNA position 491, A replaced by G.
Protein change: p.Glu164Gly; replaces glutamic acid 164 with glycine.
Molecular consequence: missense variant. On other transcripts: non-coding transcript variant (1).
Genome position (GRCh38, 1-based): chr9:95,485,778, T>C on the plus strand (A>G on the coding strand, the complement: PTCH1 is on the minus strand). VCF-style: chr9-95485778-T-C. GRCh37 (hg19) VCF-style: chr9-98248060-T-C.
Other names: c.293A>G, p.Glu98Gly (NM_001083602.3, NM_001354919.2); c.488A>G, p.Glu163Gly (NM_001083603.3); c.38A>G, p.Glu13Gly (NM_001083604.3, NM_001083605.3, NM_001083606.3 and 1 more transcripts); c.491A>G, p.Glu164Gly (NM_001354918.2); short protein forms E163G, E164G, E13G, E98G.
Identifiers: ClinVar variation 1744099 (VCV001744099.2), dbSNP rs2538268341, ClinGen allele CA374116952.